The following is an entry in ClinVar:

ClinVar aggregate classification (germline): Uncertain significance. Review status: criteria provided, multiple submitters, no conflicts (2 of 4 stars). 2 submissions from 2 submitters: Uncertain significance (2). Last evaluated 2024-12-24.

Conditions:
Inborn genetic diseases. Identifiers: MedGen C0950123, MeSH D030342.
Short-rib thoracic dysplasia 8 with or without polydactyly (SRTD8). Also called: SHORT-RIB THORACIC DYSPLASIA 8 WITH POLYDACTYLY. Identifiers: Orphanet 93271, MedGen C3809691, MONDO:0014214, OMIM 615503.

Allele frequency attached by ClinVar (database versions not stated): gnomAD 0.00011; gnomAD exomes 0.00002; ExAC 0.00003; TOPMed 0.00023.
gnomAD v4.1: 44 of 1,612,046 alleles (0.0027%); highest among the groups gnomAD compares: Admixed American, 0.038%; no homozygotes.

Submissions (2):

Labcorp Genetics (formerly Invitae), Labcorp
Classification: Uncertain significance for Short-rib thoracic dysplasia 8 with or without polydactyly. Last evaluated: 2024-12-24. Review status: criteria provided, single submitter. Criteria: Invitae Variant Classification Sherloc (09022015). Collection method: clinical testing. Allele origin: germline.
Comment: This sequence change replaces arginine, which is basic and polar, with tryptophan, which is neutral and slightly polar, at codon 1038 of the WDR60 protein (p.Arg1038Trp). This variant is present in population databases (rs758415572, gnomAD 0.004%). This variant has not been reported in the literature in individuals affected with WDR60-related conditions. ClinVar contains an entry for this variant (Variation ID: 1680735). An algorithm developed to predict the effect of missense changes on protein structure and function (PolyPhen-2) suggests that this variant¬†is likely to be tolerated. In summary, the available evidence is currently insufficient to determine the role of this variant in disease. Therefore, it has been classified as a Variant of Uncertain Significance.

Ambry Genetics
Classification: Uncertain significance for Inborn genetic diseases. Last evaluated: 2023-12-28. Review status: criteria provided, single submitter. Criteria: Ambry Variant Classification Scheme 2023. Collection method: clinical testing. Allele origin: germline.

NM_018051.5(DYNC2I1):c.3112C>T (p.Arg1038Trp)

Gene: DYNC2I1 (dynein 2 intermediate chain 1; plus strand). Cytogenetic location: 7q36.3.
Variant type: single nucleotide variant.
Coding change: c.3112C>T on transcript NM_018051.5 (MANE Select); coding-DNA position 3112, C replaced by T.
Protein change: p.Arg1038Trp; replaces arginine 1038 with tryptophan.
Molecular consequence: missense variant.
Genome position (GRCh38, 1-based): chr7:158,945,690, C>T. VCF-style: chr7-158945690-C-T. GRCh37 (hg19) VCF-style: chr7-158738381-C-T.
Other names: c.2974C>T, p.Arg992Trp (NM_001350914.2); c.2539C>T, p.Arg847Trp (NM_001350915.2); c.1651C>T, p.Arg551Trp (NM_001350916.2); c.1864C>T, p.Arg622Trp (NM_001350917.2, NM_001350918.2); c.3112C>T (NM_018051.4); short protein forms R1038W, R551W, R622W, R847W, R992W.
Identifiers: ClinVar variation 1680735 (VCV001680735.7), dbSNP rs758415572, ClinGen allele CA4595211.